The following is an entry in ClinVar:

ClinVar aggregate classification (germline): Benign. Review status: criteria provided, multiple submitters, no conflicts (2 of 4 stars). 2 submissions from 2 submitters: Benign (2). Last evaluated 2018-01-13.

Conditions:
CBL-related disorder. Also called: NOONAN SYNDROME-LIKE DISORDER WITHOUT JUVENILE MYELOMONOCYTIC LEUKEMIA; CBL MUTATION-ASSOCIATED SYNDROME; CBL SYNDROME. Identifiers: Orphanet 363972, MedGen C3150803, MONDO:0013308, OMIM 613563.

Allele frequency attached by ClinVar (database versions not stated): 1000 Genomes Project 0.41214; 1000 Genomes Project 30x 0.41458; TOPMed 0.43285.
gnomAD v4.1: 92,912 of 232,564 alleles (40%); highest among the groups gnomAD compares: African/African-American, 70%; 21,313 homozygotes.

Submissions (2):

Illumina Laboratory Services, Illumina
Classification: Benign for CBL-related disorder. Last evaluated: 2018-01-13. Review status: criteria provided, single submitter. Criteria: ICSL Variant Classification Criteria 13 December 2019. Collection method: clinical testing. Allele origin: germline.
Comment: This variant was observed in the ICSL laboratory as part of a predisposition screen in an ostensibly healthy population. It had not been previously curated by ICSL or reported in the Human Gene Mutation Database (HGMD: prior to June 1st, 2018), and was therefore a candidate for classification through an automated scoring system. Utilizing variant allele frequency, disease prevalence and penetrance estimates, and inheritance mode, an automated score was calculated to assess if this variant is too frequent to cause the disease. Based on the score and internal cut-off values, a variant classified as benign is not then subjected to further curation. The score for this variant resulted in a classification of benign for this disease.

Breakthrough Genomics
Classification: Benign. Review status: criteria provided, single submitter. Criteria: ACMG Guidelines, 2015. Collection method: not provided. Allele origin: germline. Inheritance: Autosomal dominant inheritance. Affected: yes.

NM_005188.4(CBL):c.*7559C>G

Gene: CBL (Cbl proto-oncogene; plus strand). Cytogenetic location: 11q23.3.
Variant type: single nucleotide variant.
Coding change: c.*7559C>G on transcript NM_005188.4 (MANE Select); 7559 bases downstream of the stop codon, C replaced by G.
Molecular consequence: 3 prime UTR variant.
Genome position (GRCh38, 1-based): chr11:119,307,340, C>G. VCF-style: chr11-119307340-C-G. GRCh37 (hg19) VCF-style: chr11-119178050-C-G.
Identifiers: ClinVar variation 302902 (VCV000302902.6), dbSNP rs1052121, ClinGen allele CA10637432.
Genomic context (GRCh38, chr11:119,307,340, plus strand): 5'-TAAACTCTGGACCATTCCAAGTGTCCTAGCCTTCTGATGACATTAATTACCTAGTTGTGT[C>G]GAGGAGTATAGGATGGACTCTCCTGAGAAGGGGAGGTTGGTGGCTTTGTCTTTTCTTTTT-3'